The following is an entry in ClinVar:

NM_016203.4(PRKAG2):c.721G>C (p.Gly241Arg)

Genes: PRKAG2 (protein kinase AMP-activated non-catalytic subunit gamma 2; minus strand), LOC129999660 (ATAC-STARR-seq lymphoblastoid silent region 18823; plus strand). Cytogenetic location: 7q36.1.
Variant type: single nucleotide variant.
Coding change: c.721G>C on transcript NM_016203.4 (MANE Select); coding-DNA position 721, G replaced by C.
Protein change: p.Gly241Arg; replaces glycine 241 with arginine.
Molecular consequence: missense variant. On other transcripts: 5 prime UTR variant (2).
Genome position (GRCh38, 1-based): chr7:151,632,102, C>G on the plus strand (G>C on the coding strand, the complement: PRKAG2 is on the minus strand). VCF-style: chr7-151632102-C-G. GRCh37 (hg19) VCF-style: chr7-151329188-C-G.
Other names: c.589G>C, p.Gly197Arg (NM_001040633.2); c.349G>C, p.Gly117Arg (NM_001304527.2, NM_001363698.2); c.-3G>C (NM_001304531.2, NM_024429.2); short protein forms G117R, G197R, G241R.
Identifiers: ClinVar variation 1504726 (VCV001504726.9), dbSNP rs765544988, ClinGen allele CA370071268.

ClinVar aggregate classification (germline): Uncertain significance. Review status: criteria provided, multiple submitters, no conflicts (2 of 4 stars). 2 submissions from 2 submitters: Uncertain significance (2). Last evaluated 2023-03-01.

Conditions:
Lethal congenital glycogen storage disease of heart. Also called: PHOSPHORYLASE KINASE DEFICIENCY OF HEART; GLYCOGEN STORAGE DISEASE OF HEART. Identifiers: Orphanet 439854, MedGen C1849813, MONDO:0009867, OMIM 261740.

gnomAD v4.1: 6 of 1,415,592 alleles (0.00042%); highest among the groups gnomAD compares: Non-Finnish European, 0.00056%; no homozygotes.

Submissions (2):

Blueprint Genetics
Classification: Uncertain significance. Last evaluated: 2023-03-01. Review status: criteria provided, single submitter. Criteria: ACMG Guidelines, 2015. Collection method: clinical testing. Allele origin: germline.

Labcorp Genetics (formerly Invitae), Labcorp
Classification: Uncertain significance for Lethal congenital glycogen storage disease of heart. Last evaluated: 2020-12-01. Review status: criteria provided, single submitter. Criteria: Invitae Variant Classification Sherloc (09022015). Collection method: clinical testing. Allele origin: germline.
Comment: This variant is not present in population databases (ExAC no frequency). This sequence change replaces glycine with arginine at codon 241 of the PRKAG2 protein (p.Gly241Arg). The glycine residue is weakly conserved and there is a moderate physicochemical difference between glycine and arginine. In summary, the available evidence is currently insufficient to determine the role of this variant in disease. Therefore, it has been classified as a Variant of Uncertain Significance. Advanced modeling of protein sequence and biophysical properties (such as structural, functional, and spatial information, amino acid conservation, physicochemical variation, residue mobility, and thermodynamic stability) performed at Invitae indicates that this missense variant is not expected to disrupt PRKAG2 protein function. This variant has not been reported in the literature in individuals with PRKAG2-related conditions.